The following is an entry in ClinVar:

NM_182699.4(DDX53):c.1702G>T (p.Val568Phe)

Genes: DDX53 (DEAD-box helicase 53; plus strand), PTCHD1-AS (PTCHD1 antisense RNA (head to head); minus strand). Cytogenetic location: Xp22.11.
Variant type: single nucleotide variant.
Coding change: c.1702G>T on transcript NM_182699.4 (MANE Select); coding-DNA position 1702, G replaced by T.
Protein change: p.Val568Phe; replaces valine 568 with phenylalanine.
Molecular consequence: missense variant.
Genome position (GRCh38, 1-based): chrX:23,001,759, G>T. VCF-style: chrX-23001759-G-T. GRCh37 (hg19) VCF-style: chrX-23019876-G-T.
Other names: short protein forms V568F.
Identifiers: ClinVar variation 3573581 (VCV003573581.1).

ClinVar aggregate classification (germline): Uncertain significance (1 of 4 stars; one submission).

Submission:

GeneDx
Classification: Uncertain significance. Last evaluated: 2023-11-19. Review status: criteria provided, single submitter. Criteria: GeneDx Variant Classification Process June 2021. Collection method: clinical testing. Allele origin: germline. Affected: yes.
Comment: Not observed at significant frequency in large population cohorts (gnomAD); In silico analysis supports that this missense variant has a deleterious effect on protein structure/function; Has not been previously published as pathogenic or benign to our knowledge; Variants in candidate genes are classified as variants of uncertain significance in accordance with ACMG guidelines (PMID: 25741868)